The following is an entry in ClinVar:

ClinVar aggregate classification (germline): Likely benign. Review status: criteria provided, multiple submitters, no conflicts (2 of 4 stars). 2 submissions from 2 submitters: Likely benign (2). Last evaluated 2018-06-19.

Allele frequency attached by ClinVar (database versions not stated): 1000 Genomes Project 30x 0.00781; 1000 Genomes Project 0.00819; gnomAD 0.01618 and 0.01697; TOPMed 0.01719; ESP Exome Variant Server 0.02081.
gnomAD v4.1: 32,054 of 1,518,896 alleles (2.1%); highest among the groups gnomAD compares: Middle Eastern, 2.7%; 423 homozygotes.

Submissions (2):

GeneDx
Classification: Likely benign. Last evaluated: 2018-06-19. Review status: criteria provided, single submitter. Criteria: GeneDx Variant Classification (06012015). Collection method: clinical testing. Allele origin: germline. Affected: yes.
Comment: This variant is considered likely benign or benign based on one or more of the following criteria: it is a conservative change, it occurs at a poorly conserved position in the protein, it is predicted to be benign by multiple in silico algorithms, and/or has population frequency not consistent with disease.

Breakthrough Genomics
Classification: Likely benign. Review status: criteria provided, single submitter. Criteria: ACMG Guidelines, 2015. Collection method: not provided. Allele origin: germline. Inheritance: Autosomal recessive inheritance. Affected: yes.

NM_020631.6(PLEKHG5):c.3012-79C>T

Gene: PLEKHG5 (pleckstrin homology and RhoGEF domain containing G5; minus strand). Cytogenetic location: 1p36.31.
Variant type: single nucleotide variant.
Coding change: c.3012-79C>T on transcript NM_020631.6 (MANE Select); 79 bases into the intron before coding-DNA position 3012, C replaced by T.
Molecular consequence: intron variant.
Genome position (GRCh38, 1-based): chr1:6,467,651, G>A on the plus strand (C>T on the coding strand, the complement: PLEKHG5 is on the minus strand). VCF-style: chr1-6467651-G-A. GRCh37 (hg19) VCF-style: chr1-6527711-G-A.
Other names: c.3012-79C>T (NM_198681.4, NM_001042664.2, NM_001042665.2); c.3123-79C>T (NM_001042663.3, NM_001265592.2); c.*19-79C>T (NM_001265594.3); c.3219-79C>T (NM_001265593.2).
Identifiers: ClinVar variation 676978 (VCV000676978.2), dbSNP rs78137382, ClinGen allele CA17232948.